The following is an entry in ClinVar:

ClinVar aggregate classification (germline): Uncertain significance (1 of 4 stars; one submission).

Submission:

Labcorp Genetics (formerly Invitae), Labcorp
Classification: Uncertain significance. Last evaluated: 2025-03-26. Review status: criteria provided, single submitter. Criteria: Invitae Variant Classification Sherloc (09022015). Collection method: clinical testing. Allele origin: germline.
Comment: This sequence change affects codon 3 of the LRRC10 mRNA. It is a 'silent' change, meaning that it does not change the encoded amino acid sequence of the LRRC10 protein. This variant is not present in population databases (gnomAD no frequency). This variant has not been reported in the literature in individuals affected with LRRC10-related conditions. In summary, the available evidence is currently insufficient to determine the role of this variant in disease. Therefore, it has been classified as a Variant of Uncertain Significance.

NM_201550.4(LRRC10):c.9C>T (p.Asn3=)

Gene: LRRC10 (leucine rich repeat containing 10; minus strand). Cytogenetic location: 12q15.
Variant type: single nucleotide variant.
Coding change: c.9C>T on transcript NM_201550.4 (MANE Select); coding-DNA position 9, C replaced by T.
Protein change: p.Asn3=; no amino-acid change (asparagine 3 retained).
Molecular consequence: synonymous variant.
Genome position (GRCh38, 1-based): chr12:69,610,830, G>A on the plus strand (C>T on the coding strand, the complement: LRRC10 is on the minus strand). VCF-style: chr12-69610830-G-A. GRCh37 (hg19) VCF-style: chr12-70004610-G-A.
Identifiers: ClinVar variation 4793874 (VCV004793874.1).